The following is an entry in ClinVar:

ClinVar aggregate classification (germline): Likely benign. Review status: criteria provided, single submitter (1 of 4 stars). 2 submissions from 2 submitters: Likely benign (1). 1 of the submissions does not count toward it. Last evaluated 2023-09-17.

Conditions:
ADGRV1-related disorder. Also called: ADGRV1-related condition; ADGRV1-related disorders.

Allele frequency attached by ClinVar (database versions not stated): gnomAD exomes below 0.00001; TOPMed 0.00001; gnomAD 0.00002.
gnomAD v4.1: 6 of 1,613,496 alleles (0.00037%); highest among the groups gnomAD compares: Middle Eastern, 0.016%; no homozygotes.

Submissions (2):

Labcorp Genetics (formerly Invitae), Labcorp
Classification: Likely benign. Last evaluated: 2023-09-17. Review status: criteria provided, single submitter. Criteria: Invitae Variant Classification Sherloc (09022015). Collection method: clinical testing. Allele origin: germline.

PreventionGenetics, part of Exact Sciences
Classification: Likely benign for ADGRV1-related condition. Last evaluated: 2022-02-24. Review status: no assertion criteria provided. Collection method: clinical testing. Allele origin: germline. Not counted in ClinVar's aggregate classification.
Comment: This variant is classified as likely benign based on ACMG/AMP sequence variant interpretation guidelines (Richards et al. 2015 PMID: 25741868, with internal and published modifications).

NM_032119.4(ADGRV1):c.12081T>C (p.Asn4027=)

Gene: ADGRV1 (adhesion G protein-coupled receptor V1; plus strand). Cytogenetic location: 5q14.3.
Variant type: single nucleotide variant.
Coding change: c.12081T>C on transcript NM_032119.4 (MANE Select); coding-DNA position 12081, T replaced by C.
Protein change: p.Asn4027=; no amino-acid change (asparagine 4027 retained).
Molecular consequence: synonymous variant. On other transcripts: non-coding transcript variant (1).
Genome position (GRCh38, 1-based): chr5:90,759,549, T>C. VCF-style: chr5-90759549-T-C. GRCh37 (hg19) VCF-style: chr5-90055366-T-C.
Other names: c.12081T>C (NM_032119.3).
Identifiers: ClinVar variation 1936971 (VCV001936971.7), dbSNP rs1441940701, ClinGen allele CA445405905.